The following is an entry in ClinVar:

ClinVar aggregate classification (germline): Conflicting classifications of pathogenicity. Review status: criteria provided, conflicting classifications (1 of 4 stars). 3 submissions from 3 submitters: Uncertain significance (1); Likely benign (1). 1 of the submissions does not count toward it. Last evaluated 2025-02-06.

Conditions:
ATP2B2-related disorder. Also called: ATP2B2-related condition.

Allele frequency attached by ClinVar (database versions not stated): ExAC 0.00005; TOPMed 0.00005; gnomAD 0.00006.
gnomAD v4.1: 90 of 1,614,072 alleles (0.0056%); highest among the groups gnomAD compares: Admixed American, 0.033%; no homozygotes.

Submissions (3):

Labcorp Genetics (formerly Invitae), Labcorp
Classification: Likely benign. Last evaluated: 2025-02-06. Review status: criteria provided, single submitter. Criteria: Invitae Variant Classification Sherloc (09022015). Collection method: clinical testing. Allele origin: germline.

GeneDx
Classification: Uncertain significance. Last evaluated: 2016-03-09. Review status: criteria provided, single submitter. Criteria: GeneDx Variant Classification (06012015). Collection method: clinical testing. Allele origin: germline. Affected: yes.
Comment: The A498T variant in the ATP2B2 gene has not been reported previously as a pathogenic variant, nor as a benign variant, to our knowledge. The A498T variant was not observed in approximately 6500 individuals of European and African American ancestry in the NHLBI Exome Sequencing Project, indicating it is not a common benign variant in these populations. The A498T variant is a non-conservative amino acid substitution, which is likely to impact secondary protein structure as these residues differ in polarity, charge, size and/or other properties. This substitution occurs at a position that is conserved in mammals. In silico analysis is inconsistent in its predictions as to whether or not the variant is damaging to the protein structure/function. We interpret A498T as a variant of uncertain significance.

PreventionGenetics, part of Exact Sciences
Classification: Uncertain significance for ATP2B2-related condition. Last evaluated: 2024-01-03. Review status: no assertion criteria provided. Collection method: clinical testing. Allele origin: germline. Not counted in ClinVar's aggregate classification.
Comment: The ATP2B2 c.1492G>A variant is predicted to result in the amino acid substitution p.Ala498Thr. To our knowledge, this variant has not been reported in the literature. This variant is reported in 0.042% of alleles in individuals of Latino descent in gnomAD. At this time, the clinical significance of this variant is uncertain due to the absence of conclusive functional and genetic evidence.

NM_001001331.4(ATP2B2):c.1627G>A (p.Ala543Thr)

Gene: ATP2B2 (ATPase plasma membrane Ca2+ transporting 2; minus strand). Cytogenetic location: 3p25.3.
Variant type: single nucleotide variant.
Coding change: c.1627G>A on transcript NM_001001331.4 (MANE Select); coding-DNA position 1627, G replaced by A.
Protein change: p.Ala543Thr; replaces alanine 543 with threonine.
Molecular consequence: missense variant.
Genome position (GRCh38, 1-based): chr3:10,371,841, C>T on the plus strand (G>A on the coding strand, the complement: ATP2B2 is on the minus strand). VCF-style: chr3-10371841-C-T. GRCh37 (hg19) VCF-style: chr3-10413525-C-T.
Other names: c.1492G>A, p.Ala498Thr (NM_001330611.3, NM_001353564.1, NM_001363862.1 and 1 more transcripts); short protein forms A498T, A543T.
Identifiers: ClinVar variation 384105 (VCV000384105.9), dbSNP rs777396418, ClinGen allele CA2253626.